The following is an entry in ClinVar:

NM_012213.3(MLYCD):c.583del (p.Phe194_Leu195insTer)

Gene: MLYCD (malonyl-CoA decarboxylase; plus strand). Cytogenetic location: 16q23.3.
Variant type: Deletion.
Coding change: c.583del on transcript NM_012213.3 (MANE Select); coding-DNA position 583, one base deleted (C; older notation c.583delC).
Protein change: p.Phe194_Leu195insTer.
Molecular consequence: nonsense.
Genome position (GRCh38, 1-based): chr16:83,907,041, C deleted; the last of 2 consecutive C bases (chr16:83,907,040-83,907,041); deleting either gives the same sequence. VCF-style (leftmost placement, unchanged base first): chr16-83907039-TC-T. GRCh37 (hg19) VCF-style: chr16-83940644-TC-T.
Identifiers: ClinVar variation 2013700 (VCV002013700.4), dbSNP rs2507380738, ClinGen allele CA2580092177.

ClinVar aggregate classification (germline): Pathogenic (1 of 4 stars; one submission).

Conditions:
Deficiency of malonyl-CoA decarboxylase. Also called: Malonic aciduria; MCD deficiency. Identifiers: Orphanet 943, MedGen C0342793, MONDO:0009556, OMIM 248360.

Submission:

Labcorp Genetics (formerly Invitae), Labcorp
Classification: Pathogenic for Deficiency of malonyl-CoA decarboxylase. Last evaluated: 2022-07-03. Review status: criteria provided, single submitter. Criteria: Invitae Variant Classification Sherloc (09022015). Collection method: clinical testing. Allele origin: germline.
Comment: For these reasons, this variant has been classified as Pathogenic. This variant has not been reported in the literature in individuals affected with MLYCD-related conditions. This variant is not present in population databases (gnomAD no frequency). This sequence change creates a premature translational stop signal (p.Leu195*) in the MLYCD gene. It is expected to result in an absent or disrupted protein product. Loss-of-function variants in MLYCD are known to be pathogenic (PMID: 12955715, 17186413).

Literature cited by the submitters: PubMed 12955715; PubMed 17186413.